The following is an entry in ClinVar:

NM_000059.4(BRCA2):c.7028A>G (p.Glu2343Gly)

Gene: BRCA2 (BRCA2 DNA repair associated; plus strand). Cytogenetic location: 13q13.1.
Variant type: single nucleotide variant.
Coding change: c.7028A>G on transcript NM_000059.4 (MANE Select); coding-DNA position 7028, A replaced by G.
Protein change: p.Glu2343Gly; replaces glutamic acid 2343 with glycine.
Molecular consequence: missense variant. On other transcripts: non-coding transcript variant (1).
Genome position (GRCh38, 1-based): chr13:32,354,881, A>G. VCF-style: chr13-32354881-A-G. GRCh37 (hg19) VCF-style: chr13-32929018-A-G.
Other names: c.6932A>G, p.Glu2311Gly (NM_001406719.1); c.7028A>G, p.Glu2343Gly (NM_001406720.1, NM_001432077.1); c.2096A>G, p.Glu699Gly (NM_001406721.1); c.611A>G, p.Glu204Gly (NM_001406722.1); short protein forms E204G, E699G, E2311G, E2343G.
Identifiers: ClinVar variation 3482085 (VCV003482085.1).

ClinVar aggregate classification (germline): Uncertain significance (1 of 4 stars; one submission).

Conditions:
Hereditary cancer-predisposing syndrome. Also called: Tumor predisposition; Neoplastic Syndromes, Hereditary; Hereditary Cancer Syndrome; Hereditary neoplastic syndrome. Identifiers: Orphanet 140162, MedGen C0027672, MeSH D009386, MONDO:0015356.

Submission:

Ambry Genetics
Classification: Uncertain significance for Hereditary cancer-predisposing syndrome. Last evaluated: 2024-09-13. Review status: criteria provided, single submitter. Criteria: Ambry Variant Classification Scheme 2023. Collection method: clinical testing. Allele origin: germline.
Comment: The p.E2343G variant (also known as c.7028A>G), located in coding exon 13 of the BRCA2 gene, results from an A to G substitution at nucleotide position 7028. The glutamic acid at codon 2343 is replaced by glycine, an amino acid with similar properties. This amino acid position is not well conserved in available vertebrate species. In addition, this alteration is predicted to be tolerated by in silico analysis. Based on the available evidence, the clinical significance of this variant remains unclear.